The following is an entry in ClinVar:

NM_024408.4(NOTCH2):c.2339G>T (p.Arg780Met)

Gene: NOTCH2 (notch receptor 2; minus strand). Cytogenetic location: 1p12.
Variant type: single nucleotide variant.
Coding change: c.2339G>T on transcript NM_024408.4 (MANE Select); coding-DNA position 2339, G replaced by T.
Protein change: p.Arg780Met; replaces arginine 780 with methionine.
Molecular consequence: missense variant.
Genome position (GRCh38, 1-based): chr1:119,953,569, C>A on the plus strand (G>T on the coding strand, the complement: NOTCH2 is on the minus strand). VCF-style: chr1-119953569-C-A. GRCh37 (hg19) VCF-style: chr1-120496192-C-A.
Other names: c.2339G>T, p.Arg780Met (NM_001200001.2); short protein forms R780M.
Identifiers: ClinVar variation 1390756 (VCV001390756.6), dbSNP rs2101122186, ClinGen allele CA341863902.

ClinVar aggregate classification (germline): Uncertain significance (1 of 4 stars; one submission).

Conditions:
Hajdu-Cheney syndrome (HJCYS). Also called: Acroosteolysis dominant type; ACROOSTEOLYSIS WITH OSTEOPOROSIS AND CHANGES IN SKULL AND MANDIBLE; SERPENTINE FIBULA-POLYCYSTIC KIDNEY SYNDROME. Identifiers: Orphanet 955, MedGen C0917715, MONDO:0007057, OMIM 102500.

Submission:

Labcorp Genetics (formerly Invitae), Labcorp
Classification: Uncertain significance for Hajdu-Cheney syndrome. Last evaluated: 2022-07-05. Review status: criteria provided, single submitter. Criteria: Invitae Variant Classification Sherloc (09022015). Collection method: clinical testing. Allele origin: germline.
Comment: This sequence change replaces arginine, which is basic and polar, with methionine, which is neutral and non-polar, at codon 780 of the NOTCH2 protein (p.Arg780Met). In summary, the available evidence is currently insufficient to determine the role of this variant in disease. Therefore, it has been classified as a Variant of Uncertain Significance. Advanced modeling of protein sequence and biophysical properties (such as structural, functional, and spatial information, amino acid conservation, physicochemical variation, residue mobility, and thermodynamic stability) performed at Invitae indicates that this missense variant is not expected to disrupt NOTCH2 protein function. ClinVar contains an entry for this variant (Variation ID: 1390756). This variant has not been reported in the literature in individuals affected with NOTCH2-related conditions. This variant is not present in population databases (gnomAD no frequency).